The following is an entry in ClinVar:

ClinVar aggregate classification (germline): Uncertain significance. Review status: criteria provided, multiple submitters, no conflicts (2 of 4 stars). 2 submissions from 2 submitters: Uncertain significance (2). Last evaluated 2025-07-13.

Conditions:
Cardiovascular phenotype. Identifiers: MedGen CN230736.
Dilated cardiomyopathy 2B. Identifiers: Orphanet 154, MedGen C3553409, MONDO:0013848, OMIM 614672.

gnomAD v4.1: 3 of 1,411,074 alleles (0.00021%); highest among the groups gnomAD compares: South Asian, 0.0016%; no homozygotes.

Submissions (2):

Ambry Genetics
Classification: Uncertain significance for Cardiovascular phenotype. Last evaluated: 2025-07-13. Review status: criteria provided, single submitter. Criteria: Ambry Variant Classification Scheme 2023. Collection method: clinical testing. Allele origin: germline.
Comment: The p.R36P variant (also known as c.107G>C), located in coding exon 1 of the GATAD1 gene, results from a G to C substitution at nucleotide position 107. The arginine at codon 36 is replaced by proline, an amino acid with dissimilar properties. This amino acid position is highly conserved in available vertebrate species. In addition, the in silico prediction for this alteration is inconclusive. Since supporting evidence is limited at this time, the clinical significance of this alteration remains unclear.

Labcorp Genetics (formerly Invitae), Labcorp
Classification: Uncertain significance for Dilated cardiomyopathy 2B. Last evaluated: 2025-05-14. Review status: criteria provided, single submitter. Criteria: Invitae Variant Classification Sherloc (09022015). Collection method: clinical testing. Allele origin: germline.
Comment: This sequence change replaces arginine, which is basic and polar, with proline, which is neutral and non-polar, at codon 36 of the GATAD1 protein (p.Arg36Pro). This variant is present in population databases (no rsID available, gnomAD 0.006%). This variant has not been reported in the literature in individuals affected with GATAD1-related conditions. ClinVar contains an entry for this variant (Variation ID: 1786097). Invitae Evidence Modeling of protein sequence and biophysical properties (such as structural, functional, and spatial information, amino acid conservation, physicochemical variation, residue mobility, and thermodynamic stability) indicates that this missense variant is not expected to disrupt GATAD1 protein function with a negative predictive value of 80%. In summary, the available evidence is currently insufficient to determine the role of this variant in disease. Therefore, it has been classified as a Variant of Uncertain Significance.

NM_021167.5(GATAD1):c.107G>C (p.Arg36Pro)

Genes: GATAD1 (GATA zinc finger domain containing 1; plus strand), LOC129998793 (ATAC-STARR-seq lymphoblastoid silent region 18371; plus strand). Cytogenetic location: 7q21.2.
Variant type: single nucleotide variant.
Coding change: c.107G>C on transcript NM_021167.5 (MANE Select); coding-DNA position 107, G replaced by C.
Protein change: p.Arg36Pro; replaces arginine 36 with proline.
Molecular consequence: missense variant. On other transcripts: non-coding transcript variant (1).
Genome position (GRCh38, 1-based): chr7:92,447,836, G>C. VCF-style: chr7-92447836-G-C. GRCh37 (hg19) VCF-style: chr7-92077150-G-C.
Other names: short protein forms R36P.
Identifiers: ClinVar variation 1786097 (VCV001786097.8), dbSNP rs934989780, ClinGen allele CA161960738.